The following is an entry in ClinVar:

NM_014079.4(KLF15):c.38C>T (p.Ser13Leu)

Gene: KLF15 (KLF transcription factor 15; minus strand). Cytogenetic location: 3q21.3.
Variant type: single nucleotide variant.
Coding change: c.38C>T on transcript NM_014079.4 (MANE Select); coding-DNA position 38, C replaced by T.
Protein change: p.Ser13Leu; replaces serine 13 with leucine.
Molecular consequence: missense variant.
Genome position (GRCh38, 1-based): chr3:126,352,885, G>A on the plus strand (C>T on the coding strand, the complement: KLF15 is on the minus strand). VCF-style: chr3-126352885-G-A. GRCh37 (hg19) VCF-style: chr3-126071728-G-A.
Other names: short protein forms S13L.
Identifiers: ClinVar variation 2654093 (VCV002654093.24), dbSNP rs368930877, ClinGen allele CA2589241.

ClinVar aggregate classification (germline): Likely benign (1 of 4 stars; one submission).

Allele frequency attached by ClinVar (database versions not stated): gnomAD exomes 0.00002; ExAC 0.00007; gnomAD 0.00007; TOPMed 0.00007; ESP Exome Variant Server 0.00015.
gnomAD v4.1: 43 of 1,611,356 alleles (0.0027%); highest among the groups gnomAD compares: Admixed American, 0.015%; no homozygotes.

Submission:

CeGaT Center for Human Genetics Tuebingen
Classification: Likely benign. Last evaluated: 2023-09-01. Review status: criteria provided, single submitter. Criteria: CeGaT Center For Human Genetics Tuebingen Variant Classification Criteria Version 2. Collection method: clinical testing. Allele origin: germline. Affected: yes. Observed: 1 variant allele.
Comment: KLF15: BP4